The following is an entry in ClinVar:

ClinVar aggregate classification (germline): Pathogenic (1 of 4 stars; one submission).

Conditions:
Galactosylceramide beta-galactosidase deficiency. Also called: GALACTOCEREBROSIDASE DEFICIENCY; GALC DEFICIENCY; GLOBOID CELL LEUKOENCEPHALOPATHY; Leukodystrophy, Globoid Cell; Krabbe Disease. Identifiers: Orphanet 487, MedGen C0023521, MONDO:0009499, OMIM 245200.

Submission:

Myriad Genetics, Inc.
Classification: Pathogenic for Galactosylceramide beta-galactosidase deficiency. Last evaluated: 2024-01-06. Review status: criteria provided, single submitter. Criteria: Myriad Autosomal Dominant, Autosomal Recessive and X-Linked Classification Criteria (2023). Collection method: clinical testing. Allele origin: unknown.
Comment: NM_000153.3(GALC):c.1256_1268del13ins2(E419Afs*18) is expected to be pathogenic in the context of Krabbe disease. This variant is predicted to lead to an abnormal or absent protein product due to the creation of a premature termination codon in GALC, a gene where loss-of-function variants are known to be pathogenic. Please note: this variant was assessed in the context of healthy population screening.

NM_000153.4(GALC):c.1256_1268delinsCC (p.Glu419fs)

Gene: GALC (galactosylceramidase; minus strand). Cytogenetic location: 14q31.3.
Variant type: Indel.
Coding change: c.1256_1268delinsCC on transcript NM_000153.4 (MANE Select); coding-DNA positions 1256 to 1268, AAATACCAGAGCT replaced by CC.
Protein change: p.Glu419fs; shifts the reading frame from glutamic acid 419.
Molecular consequence: frameshift variant. On other transcripts: non-coding transcript variant (1).
Genome position (GRCh38, 1-based): chr14:87,949,915-87,949,927, AGCTCTGGTATTT replaced by GG on the plus strand (AAATACCAGAGCT replaced by CC on the coding strand, the reverse complement: GALC is on the minus strand). VCF-style: chr14-87949915-AGCTCTGGTATTT-GG. GRCh37 (hg19) VCF-style: chr14-88416259-AGCTCTGGTATTT-GG.
Other names: c.1187_1199delinsCC, p.Glu396fs (NM_001201401.2); c.1178_1190delinsCC, p.Glu393fs (NM_001201402.2); c.1088_1100delinsCC, p.Glu363fs (NM_001424071.1, NM_001424072.1, NM_001424073.1); c.908_920delinsCC, p.Glu303fs (NM_001424074.1, NM_001424075.1); c.623_635delinsCC, p.Glu208fs (NM_001424076.1, NM_001424077.1); short protein forms E208fs, E303fs, E363fs, E393fs, E396fs, E419fs.
Identifiers: ClinVar variation 5012632 (VCV005012632.1).